The following is an entry in ClinVar:

ClinVar aggregate classification (germline): Uncertain significance. Review status: criteria provided, multiple submitters, no conflicts (2 of 4 stars). 2 submissions from 2 submitters: Uncertain significance (2). Last evaluated 2024-05-04.

Conditions:
Simpson-Golabi-Behmel syndrome type 1 (SGBS1). Also called: GPC3-Related Simpson-Golabi-Behmel Syndrome Type 1; BULLDOG SYNDROME; DYSPLASIA GIGANTISM SYNDROME, X-LINKED; GOLABI-ROSEN SYNDROME; SIMPSON DYSMORPHIA SYNDROME. Identifiers: Orphanet 373, MedGen C0796154, MONDO:0020602, OMIM 312870.
Wilms tumor 1 (WT1). Also called: Wilms tumor, somatic. Identifiers: Orphanet 654, MedGen CN033288, MONDO:0008679, OMIM 194070.

Allele frequency attached by ClinVar (database versions not stated): TOPMed 0.00001.
gnomAD v4.1: 1 of 1,205,368 alleles (0.000083%); no homozygotes.

Submissions (2):

Fulgent Genetics
Classification: Uncertain significance for Wilms tumor 1; Simpson-Golabi-Behmel syndrome type 1. Last evaluated: 2024-05-04. Review status: criteria provided, single submitter. Criteria: ACMG Guidelines, 2015. Collection method: clinical testing. Allele origin: germline.

Labcorp Genetics (formerly Invitae), Labcorp
Classification: Uncertain significance for Wilms tumor 1. Last evaluated: 2021-12-15. Review status: criteria provided, single submitter. Criteria: Invitae Variant Classification Sherloc (09022015). Collection method: clinical testing. Allele origin: germline.
Comment: This sequence change replaces tyrosine, which is neutral and polar, with cysteine, which is neutral and slightly polar, at codon 402 of the GPC3 protein (p.Tyr402Cys). In summary, the available evidence is currently insufficient to determine the role of this variant in disease. Therefore, it has been classified as a Variant of Uncertain Significance. Algorithms developed to predict the effect of missense changes on protein structure and function are either unavailable or do not agree on the potential impact of this missense change (SIFT: "Deleterious"; PolyPhen-2: "Probably Damaging"; Align-GVGD: "Class C0"). ClinVar contains an entry for this variant (Variation ID: 1023068). This variant has not been reported in the literature in individuals affected with GPC3-related conditions. This variant is not present in population databases (gnomAD no frequency).

NM_004484.4(GPC3):c.1205A>G (p.Tyr402Cys)

Gene: GPC3 (glypican 3; minus strand). Cytogenetic location: Xq26.2.
Variant type: single nucleotide variant.
Coding change: c.1205A>G on transcript NM_004484.4 (MANE Select); coding-DNA position 1205, A replaced by G.
Protein change: p.Tyr402Cys; replaces tyrosine 402 with cysteine.
Molecular consequence: missense variant.
Genome position (GRCh38, 1-based): chrX:133,692,456, T>C on the plus strand (A>G on the coding strand, the complement: GPC3 is on the minus strand). VCF-style: chrX-133692456-T-C. GRCh37 (hg19) VCF-style: chrX-132826484-T-C.
Other names: c.1274A>G, p.Tyr425Cys (NM_001164617.2); c.1157A>G, p.Tyr386Cys (NM_001164618.2); c.1043A>G, p.Tyr348Cys (NM_001164619.2); short protein forms Y348C, Y386C, Y402C, Y425C.
Identifiers: ClinVar variation 1023068 (VCV001023068.10), dbSNP rs1173924969, ClinGen allele CA414705661.